The following is an entry in ClinVar:

ClinVar aggregate classification (germline): Likely benign (1 of 4 stars; one submission).

Allele frequency attached by ClinVar (database versions not stated): gnomAD exomes 0.00002 and 0.00011; gnomAD 0.00006 and 0.00007; ESP Exome Variant Server 0.00008; TOPMed 0.00009; ExAC 0.00017.
gnomAD v4.1: 36 of 1,606,384 alleles (0.0022%); highest among the groups gnomAD compares: Admixed American, 0.046%; no homozygotes.

Submission:

GeneDx
Classification: Likely benign. Last evaluated: 2018-04-02. Review status: criteria provided, single submitter. Criteria: GeneDx Variant Classification (06012015). Collection method: clinical testing. Allele origin: germline. Affected: yes.
Comment: This variant is considered likely benign or benign based on one or more of the following criteria: it is a conservative change, it occurs at a poorly conserved position in the protein, it is predicted to be benign by multiple in silico algorithms, and/or has population frequency not consistent with disease.

NM_002474.3(MYH11):c.5787-4672G>A

Genes: MYH11 (myosin heavy chain 11; minus strand), NDE1 (nudE neurodevelopment protein 1; plus strand). Cytogenetic location: 16p13.11.
Variant type: single nucleotide variant.
Coding change: c.5787-4672G>A on transcript NM_002474.3 (MANE Select); 4672 bases into the intron before coding-DNA position 5787, G replaced by A.
Molecular consequence: intron variant.
Genome position (GRCh38, 1-based): chr16:15,708,795, C>T on the plus strand (G>A on the coding strand, the complement: MYH11 is on the minus strand). VCF-style: chr16-15708795-C-T. GRCh37 (hg19) VCF-style: chr16-15802652-C-T.
Other names: c.947+11935C>T (NM_001143979.2, NM_017668.3); c.*8+8G>A (NM_022844.3, NM_001040113.2); c.5808-4672G>A (NM_001040114.2).
Identifiers: ClinVar variation 681478 (VCV000681478.1), dbSNP rs369832024, ClinGen allele CA7921090.